The following is an entry in ClinVar:

NM_006648.4(WNK2):c.6616G>A (p.Val2206Met)

Gene: WNK2 (WNK lysine deficient protein kinase 2; plus strand). Cytogenetic location: 9q22.31.
Variant type: single nucleotide variant.
Coding change: c.6616G>A on transcript NM_006648.4 (MANE Select); coding-DNA position 6616, G replaced by A.
Protein change: p.Val2206Met; replaces valine 2206 with methionine.
Molecular consequence: missense variant.
Genome position (GRCh38, 1-based): chr9:93,317,619, G>A. VCF-style: chr9-93317619-G-A. GRCh37 (hg19) VCF-style: chr9-96079901-G-A.
Other names: c.6727G>A, p.Val2243Met (NM_001282394.3); short protein forms V2206M, V2243M.
Identifiers: ClinVar variation 2284429 (VCV002284429.3), dbSNP rs554495666, ClinGen allele CA5130936.
Genomic context (GRCh38, chr9:93,317,619, plus strand): 5'-CCCCCAGCGCCCGGCCCTCTGTCCACCACGGTCATTCCCGGAGCCGCCCCGACCCTGTCC[G>A]TGCCCACACCAGGTACTGCCCTCTCCAACCTCCCAACCCCACCCTGTGCGCTGCCTCTGG-3'
Protein context (NP_006639.3, residues 2196-2216): VIPGAAPTLS[Val2206Met]PTPDPESEKP

ClinVar aggregate classification (germline): Uncertain significance (1 of 4 stars; one submission).

Allele frequency attached by ClinVar (database versions not stated): gnomAD 0.00009; TOPMed 0.00012; 1000 Genomes Project 30x 0.00016; 1000 Genomes Project 0.00020.
gnomAD v4.1: 95 of 1,612,814 alleles (0.0059%); highest among the groups gnomAD compares: Middle Eastern, 0.033%; no homozygotes.

Submission:

Ambry Genetics
Classification: Uncertain significance. Last evaluated: 2024-11-18. Review status: criteria provided, single submitter. Criteria: Ambry Variant Classification Scheme 2023. Collection method: clinical testing. Allele origin: germline.
Comment: The p.V2206M variant (also known as c.6616G>A), located in coding exon 28 of the WNK2 gene, results from a G to A substitution at nucleotide position 6616. The valine at codon 2206 is replaced by methionine, an amino acid with highly similar properties. This amino acid position is conserved. In addition, this alteration is predicted to be tolerated by in silico analysis. Based on the available evidence, the clinical significance of this variant remains unclear.